The following is an entry in ClinVar:

NM_173495.3(PTCHD1):c.1915G>A (p.Glu639Lys)

Gene: PTCHD1 (patched domain containing 1; plus strand). Cytogenetic location: Xp22.11.
Variant type: single nucleotide variant.
Coding change: c.1915G>A on transcript NM_173495.3 (MANE Select); coding-DNA position 1915, G replaced by A.
Protein change: p.Glu639Lys; replaces glutamic acid 639 with lysine.
Molecular consequence: missense variant.
Genome position (GRCh38, 1-based): chrX:23,393,433, G>A. VCF-style: chrX-23393433-G-A. GRCh37 (hg19) VCF-style: chrX-23411550-G-A.
Other names: short protein forms E639K.
Identifiers: ClinVar variation 3769833 (VCV003769833.1).

ClinVar aggregate classification (germline): Uncertain significance (1 of 4 stars; one submission).

Submission:

GeneDx
Classification: Uncertain significance. Last evaluated: 2024-09-16. Review status: criteria provided, single submitter. Criteria: GeneDx Variant Classification Process June 2021. Collection method: clinical testing. Allele origin: germline. Affected: yes.
Comment: Not observed at significant frequency in large population cohorts (gnomAD); In silico analysis indicates that this missense variant does not alter protein structure/function; Has not been previously published as pathogenic or benign to our knowledge